The following is an entry in ClinVar:

ClinVar aggregate classification (germline): Uncertain significance. Review status: criteria provided, multiple submitters, no conflicts (2 of 4 stars). 2 submissions from 2 submitters: Uncertain significance (2). Last evaluated 2025-08-08.

Conditions:
Gorlin syndrome. Also called: Nevoid Basal Cell Carcinoma Syndrome; Basal cell nevus syndrome. Identifiers: Orphanet 377, MedGen C0004779, MONDO:0007187.
Hereditary cancer-predisposing syndrome. Also called: Hereditary neoplastic syndrome; Hereditary Cancer Syndrome; Tumor predisposition; Neoplastic Syndromes, Hereditary. Identifiers: Orphanet 140162, MedGen C0027672, MeSH D009386, MONDO:0015356.

Allele frequency attached by ClinVar (database versions not stated): gnomAD 0.00001; TOPMed 0.00001.
gnomAD v4.1: 1 of 1,612,626 alleles (0.000062%); highest among the groups gnomAD compares: Non-Finnish European, 0.000085%; no homozygotes.

Submissions (2):

Ambry Genetics
Classification: Uncertain significance for Hereditary cancer-predisposing syndrome. Last evaluated: 2025-08-08. Review status: criteria provided, single submitter. Criteria: Ambry Variant Classification Scheme 2023. Collection method: clinical testing. Allele origin: germline.
Comment: The p.A61G variant (also known as c.182C>G), located in coding exon 1 of the PTCH1 gene, results from a C to G substitution at nucleotide position 182. The alanine at codon 61 is replaced by glycine, an amino acid with similar properties. This amino acid position is conserved. In addition, the in silico prediction for this alteration is inconclusive. Since supporting evidence is limited at this time, the clinical significance of this alteration remains unclear.

Labcorp Genetics (formerly Invitae), Labcorp
Classification: Uncertain significance for Gorlin syndrome. Last evaluated: 2025-04-21. Review status: criteria provided, single submitter. Criteria: Invitae Variant Classification Sherloc (09022015). Collection method: clinical testing. Allele origin: germline.
Comment: This sequence change replaces alanine, which is neutral and non-polar, with glycine, which is neutral and non-polar, at codon 61 of the PTCH1 protein (p.Ala61Gly). This variant is not present in population databases (gnomAD no frequency). This variant has not been reported in the literature in individuals affected with PTCH1-related conditions. ClinVar contains an entry for this variant (Variation ID: 970569). Invitae Evidence Modeling of protein sequence and biophysical properties (such as structural, functional, and spatial information, amino acid conservation, physicochemical variation, residue mobility, and thermodynamic stability) has been performed for this missense variant. However, the output from this modeling did not meet the statistical confidence thresholds required to predict the impact of this variant on PTCH1 protein function. In summary, the available evidence is currently insufficient to determine the role of this variant in disease. Therefore, it has been classified as a Variant of Uncertain Significance.

NM_000264.5(PTCH1):c.182C>G (p.Ala61Gly)

Gene: PTCH1 (patched 1; minus strand). Cytogenetic location: 9q22.32.
Variant type: single nucleotide variant.
Coding change: c.182C>G on transcript NM_000264.5 (MANE Select); coding-DNA position 182, C replaced by G.
Protein change: p.Ala61Gly; replaces alanine 61 with glycine.
Molecular consequence: missense variant. On other transcripts: non-coding transcript variant (1), intron variant (3).
Genome position (GRCh38, 1-based): chr9:95,508,180, G>C on the plus strand (C>G on the coding strand, the complement: PTCH1 is on the minus strand). VCF-style: chr9-95508180-G-C. GRCh37 (hg19) VCF-style: chr9-98270462-G-C.
Other names: c.182C>G, p.Ala61Gly (NM_001354918.2); c.199-1581C>G (NM_001083603.3); c.4-1581C>G (NM_001083602.3, NM_001354919.2); short protein forms A61G.
Identifiers: ClinVar variation 970569 (VCV000970569.13), dbSNP rs1296707371, ClinGen allele CA374121277.